The following is an entry in ClinVar:

ClinVar aggregate classification (germline): Uncertain significance (1 of 4 stars; one submission).

Conditions:
Inborn genetic diseases. Identifiers: MedGen C0950123, MeSH D030342.

Submission:

Ambry Genetics
Classification: Uncertain significance for Inborn genetic diseases. Last evaluated: 2026-04-03. Review status: criteria provided, single submitter. Criteria: Ambry Variant Classification Scheme 2023. Collection method: clinical testing. Allele origin: germline.
Comment: The p.A1016T variant (also known as c.3046G>A), located in coding exon 13 of the BMPR2 gene, results from a G to A substitution at nucleotide position 3046. The alanine at codon 1016 is replaced by threonine, an amino acid with similar properties. This amino acid position is conserved. In addition, the in silico prediction for this alteration is inconclusive. Based on the available evidence, the clinical significance of this variant remains unclear.

NM_001204.7(BMPR2):c.3046G>A (p.Ala1016Thr)

Gene: BMPR2 (bone morphogenetic protein receptor type 2; plus strand). Cytogenetic location: 2q33.2.
Variant type: single nucleotide variant.
Coding change: c.3046G>A on transcript NM_001204.7 (MANE Select); coding-DNA position 3046, G replaced by A.
Protein change: p.Ala1016Thr; replaces alanine 1016 with threonine.
Molecular consequence: missense variant.
Genome position (GRCh38, 1-based): chr2:202,559,875, G>A. VCF-style: chr2-202559875-G-A. GRCh37 (hg19) VCF-style: chr2-203424598-G-A.
Other names: short protein forms A1016T.
Identifiers: ClinVar variation 4867592 (VCV004867592.1).